The following is an entry in ClinVar:

ClinVar aggregate classification (germline): Uncertain significance (1 of 4 stars; one submission).

gnomAD v4.1: 1 of 1,604,524 alleles (0.000062%); highest among the groups gnomAD compares: Non-Finnish European, 0.000085%; no homozygotes.

Submission:

GeneDx
Classification: Uncertain significance. Last evaluated: 2026-04-08. Review status: criteria provided, single submitter. Criteria: GeneDx Variant Classification Process June 2021. Collection method: clinical testing. Allele origin: germline.
Comment: Not observed at significant frequency in large population cohorts (gnomAD); In silico analysis supports that this missense variant has a deleterious effect on protein structure/function; Has not been previously published as pathogenic or benign to our knowledge

NM_003750.4(EIF3A):c.389G>A (p.Ser130Asn)

Gene: EIF3A (eukaryotic translation initiation factor 3 subunit A; minus strand). Cytogenetic location: 10q26.11.
Variant type: single nucleotide variant.
Coding change: c.389G>A on transcript NM_003750.4 (MANE Select); coding-DNA position 389, G replaced by A.
Protein change: p.Ser130Asn; replaces serine 130 with asparagine.
Molecular consequence: missense variant.
Genome position (GRCh38, 1-based): chr10:119,073,042, C>T on the plus strand (G>A on the coding strand, the complement: EIF3A is on the minus strand). VCF-style: chr10-119073042-C-T. GRCh37 (hg19) VCF-style: chr10-120832554-C-T.
Other names: short protein forms S130N.
Identifiers: ClinVar variation 5018344 (VCV005018344.1).